The following is an entry in ClinVar:

ClinVar aggregate classification (germline): Likely pathogenic (0 of 4 stars; one submission).

Submission:

Department of Pathology and Laboratory Medicine, Sinai Health System
Classification: Likely pathogenic. Review status: no assertion criteria provided. Collection method: clinical testing. Allele origin: unknown. Affected: yes. Study: The Canadian Open Genetics Repository (COGR).
Comment: The C5 p.C27fs variant was not identified in the literature nor was it identified in ClinVar. The variant was identified in dbSNP (ID: rs1362872776) and in control databases in 1 of 127400 chromosomes at a frequency of 0.000007849 (Genome Aggregation Database March 6, 2019, v2.1.1). The variant was observed in the European (non-Finnish) population in 1 of 47176 chromosomes (freq: 0.000021), but was not observed in the African, Latino, Ashkenazi Jewish, East Asian, European (Finnish), Other, or South Asian populations. The c.79delT variant is predicted to cause a frameshift, which alters the protein's amino acid sequence beginning at codon 27 and leads to a premature stop codon. This alteration is then predicted to result in a truncated or absent protein and loss of function. Loss of function variants of the C5 gene are an established mechanism of disease in C5 deficiency and is the type of variant expected to cause the disorder when found in the homozygous or compound heterozygous state. In summary, based on the above information the clinical significance of this variant cannot be determined with certainty at this time although we would lean towards a more pathogenic role for this variant. This variant is classified as likely pathogenic.

NM_001317163.2(C5):c.79del (p.Cys27fs)

Genes: C5 (complement C5; minus strand), LOC130002496 (ATAC-STARR-seq lymphoblastoid active region 28915; plus strand). Cytogenetic location: 9q33.2.
Variant type: Deletion.
Coding change: c.79del on transcript NM_001317163.2; coding-DNA position 79, one base deleted (T; older notation c.79delT).
Protein change: p.Cys27fs; shifts the reading frame from cysteine 27.
Molecular consequence: frameshift variant.
Genome position (GRCh38, 1-based): chr9:121,074,758, A deleted on the plus strand (T on the coding strand, the reverse complement: C5 is on the minus strand); the first of 2 consecutive A bases (chr9:121,074,758-121,074,759); deleting either gives the same sequence. VCF-style (leftmost placement, unchanged base first): chr9-121074757-CA-C. GRCh37 (hg19) VCF-style: chr9-123837035-CA-C.
Other names: short protein forms C27fs.
Identifiers: ClinVar variation 1049860 (VCV001049860.3), dbSNP rs1362872776, ClinGen allele CA590210582.